The following is an entry in ClinVar:

ClinVar aggregate classification (germline): Uncertain significance (1 of 4 stars; one submission).

Submission:

Labcorp Genetics (formerly Invitae), Labcorp
Classification: Uncertain significance. Last evaluated: 2025-12-16. Review status: criteria provided, single submitter. Criteria: Invitae Variant Classification Sherloc (09022015). Collection method: clinical testing. Allele origin: germline.
Comment: This sequence change replaces alanine, which is neutral and non-polar, with valine, which is neutral and non-polar, at codon 255 of the ICOSLG protein (p.Ala255Val). This variant is not present in population databases (gnomAD no frequency). This variant has not been reported in the literature in individuals affected with ICOSLG-related conditions. An algorithm developed to predict the effect of missense changes on protein structure and function outputs the following: PolyPhen-2: "Benign". The valine amino acid residue is found in multiple mammalian species, which suggests that this missense change does not adversely affect protein function. In summary, the available evidence is currently insufficient to determine the role of this variant in disease. Therefore, it has been classified as a Variant of Uncertain Significance.

NM_015259.6(ICOSLG):c.764C>T (p.Ala255Val)

Gene: ICOSLG (inducible T cell costimulator ligand; minus strand). Cytogenetic location: 21q22.3.
Variant type: single nucleotide variant.
Coding change: c.764C>T on transcript NM_015259.6 (MANE Select); coding-DNA position 764, C replaced by T.
Protein change: p.Ala255Val; replaces alanine 255 with valine.
Molecular consequence: missense variant.
Genome position (GRCh38, 1-based): chr21:44,231,378, G>A on the plus strand (C>T on the coding strand, the complement: ICOSLG is on the minus strand). VCF-style: chr21-44231378-G-A. GRCh37 (hg19) VCF-style: chr21-45651261-G-A.
Other names: c.764C>T, p.Ala255Val (NM_001283050.2, NM_001395918.1); c.413C>T, p.Ala138Val (NM_001283051.2); c.509C>T, p.Ala170Val (NM_001283052.2); c.683C>T, p.Ala228Val (NM_001365759.2); short protein forms A170V, A255V, A138V, A228V.
Identifiers: ClinVar variation 4763129 (VCV004763129.1).